The following is an entry in ClinVar:

ClinVar aggregate classification (germline): Uncertain significance. Review status: criteria provided, multiple submitters, no conflicts (2 of 4 stars). 4 submissions from 4 submitters: Uncertain significance (4). Last evaluated 2025-02-13.

Conditions:
Catecholaminergic polymorphic ventricular tachycardia (CVPT). Also called: Catecholamine-induced polymorphic ventricular tachycardia. Identifiers: Orphanet 3286, MedGen C5574922, MONDO:0017990.
Cardiovascular phenotype. Identifiers: MedGen CN230736.
Cardiomyopathy (CMYO). Also called: Cardiomyopathies. Identifiers: Orphanet 167848, MedGen C0878544, MONDO:0004994, HP:0001638. Inheritance: Various modes of inheritance.
Catecholaminergic polymorphic ventricular tachycardia 1. Also called: VENTRICULAR TACHYCARDIA, CATECHOLAMINERGIC POLYMORPHIC, 1, WITH OR WITHOUT ATRIAL DYSFUNCTION AND/OR DILATED CARDIOMYOPATHY; RYR2-Related Catecholaminergic Polymorphic Ventricular Tachycardia; VENTRICULAR TACHYCARDIA, STRESS-INDUCED POLYMORPHIC 1. Identifiers: Orphanet 3286, MedGen C1631597, MONDO:0011484, OMIM 604772.

Allele frequency attached by ClinVar (database versions not stated): gnomAD exomes below 0.00001; TOPMed below 0.00001.
gnomAD v4.1: 1 of 1,614,020 alleles (0.000062%); highest among the groups gnomAD compares: Non-Finnish European, 0.000085%; no homozygotes.

Submissions (4):

Labcorp Genetics (formerly Invitae), Labcorp
Classification: Uncertain significance for Catecholaminergic polymorphic ventricular tachycardia 1. Last evaluated: 2025-02-13. Review status: criteria provided, single submitter. Criteria: Invitae Variant Classification Sherloc (09022015). Collection method: clinical testing. Allele origin: germline.
Comment: This sequence change replaces valine, which is neutral and non-polar, with methionine, which is neutral and non-polar, at codon 1096 of the RYR2 protein (p.Val1096Met). This variant is present in population databases (no rsID available, gnomAD 0.0009%). This variant has not been reported in the literature in individuals affected with RYR2-related conditions. ClinVar contains an entry for this variant (Variation ID: 919607). Invitae Evidence Modeling of protein sequence and biophysical properties (such as structural, functional, and spatial information, amino acid conservation, physicochemical variation, residue mobility, and thermodynamic stability) has been performed for this missense variant. However, the output from this modeling did not meet the statistical confidence thresholds required to predict the impact of this variant on RYR2 protein function. In summary, the available evidence is currently insufficient to determine the role of this variant in disease. Therefore, it has been classified as a Variant of Uncertain Significance.

Ambry Genetics
Classification: Uncertain significance for Cardiovascular phenotype. Last evaluated: 2024-11-09. Review status: criteria provided, single submitter. Criteria: Ambry Variant Classification Scheme 2023. Collection method: clinical testing. Allele origin: germline.
Comment: The p.V1096M variant (also known as c.3286G>A), located in coding exon 28 of the RYR2 gene, results from a G to A substitution at nucleotide position 3286. The valine at codon 1096 is replaced by methionine, an amino acid with highly similar properties. This amino acid position is highly conserved in available vertebrate species. In addition, the in silico prediction for this alteration is inconclusive. Based on the available evidence, the clinical significance of this variant remains unclear.

Color Diagnostics, LLC DBA Color Health
Classification: Uncertain significance for Cardiomyopathy. Last evaluated: 2024-03-06. Review status: criteria provided, single submitter. Criteria: ACMG Guidelines, 2015. Collection method: clinical testing. Allele origin: germline.
Comment: This variant is located in the RYR2 protein. Computational prediction suggests that this variant may not impact protein structure and function (internally defined REVEL score threshold <= 0.5, PMID: 27666373). To our knowledge, functional studies have not been reported for this variant. This variant has not been reported in individuals affected with RYR2-related disorders in the literature. This variant has been identified in 1/249096 chromosomes in the general population by the Genome Aggregation Database (gnomAD). The available evidence is insufficient to determine the role of this variant in disease conclusively. Therefore, this variant is classified as a Variant of Uncertain Significance.

All of Us Research Program, National Institutes of Health
Classification: Uncertain significance for Catecholaminergic polymorphic ventricular tachycardia. Last evaluated: 2023-02-24. Review status: criteria provided, single submitter. Criteria: ACMG Guidelines, 2015. Collection method: clinical testing. Allele origin: germline. Inheritance: Autosomal dominant inheritance. Observed: 1 variant allele, 1 heterozygote.
Comment: This missense variant replaces valine with methionine at codon 1096 of the RYR2 protein. Computational prediction tools and conservation analyses suggest that this variant may have deleterious impact on the protein function. Computational splicing tools suggest that this variant may not impact RNA splicing. To our knowledge, functional assays have not been performed for this variant nor has this variant been reported in individuals affected with cardiovascular disorders in the literature. This variant has been identified in 1/249096 chromosomes in the general population by the Genome Aggregation Database (gnomAD). Available evidence is insufficient to determine the role of this variant in disease conclusively. Therefore, this variant is classified as a Variant of Uncertain Significance.

This study involves interpretation of variants in research participants for the purpose of population health screening. Participant phenotype was not available at the time of variant classification. Additional details can be found in publication PMID: 35346344, PMCID: PMC8962531

NM_001035.3(RYR2):c.3286G>A (p.Val1096Met)

Gene: RYR2 (ryanodine receptor 2; plus strand). Cytogenetic location: 1q43.
Variant type: single nucleotide variant.
Coding change: c.3286G>A on transcript NM_001035.3 (MANE Select); coding-DNA position 3286, G replaced by A.
Protein change: p.Val1096Met; replaces valine 1096 with methionine.
Molecular consequence: missense variant.
Genome position (GRCh38, 1-based): chr1:237,566,638, G>A. VCF-style: chr1-237566638-G-A. GRCh37 (hg19) VCF-style: chr1-237729938-G-A.
Other names: c.3286G>A (NM_001035.2); short protein forms V1096M.
Identifiers: ClinVar variation 919607 (VCV000919607.10), dbSNP rs1386531236, ClinGen allele CA071387.